The following is an entry in ClinVar:

ClinVar aggregate classification (germline): Uncertain significance (1 of 4 stars; one submission).

Conditions:
Congenital factor V deficiency. Also called: Hereditary factor V deficiency disease; LABILE FACTOR DEFICIENCY; OWREN PARAHEMOPHILIA; PARAHEMOPHILIA. Identifiers: Orphanet 326, MedGen C0015499, MONDO:0009210, OMIM 227400.

gnomAD v4.1: 3 of 1,611,744 alleles (0.00019%); highest among the groups gnomAD compares: Middle Eastern, 0.017%; no homozygotes.

Submission:

Labcorp Genetics (formerly Invitae), Labcorp
Classification: Uncertain significance for Congenital factor V deficiency. Last evaluated: 2025-03-06. Review status: criteria provided, single submitter. Criteria: Invitae Variant Classification Sherloc (09022015). Collection method: clinical testing. Allele origin: germline.
Comment: This sequence change replaces glutamine, which is neutral and polar, with arginine, which is basic and polar, at codon 1381 of the F5 protein (p.Gln1381Arg). This variant is present in population databases (rs760847875, gnomAD 0.006%). This variant has not been reported in the literature in individuals affected with F5-related conditions. Invitae Evidence Modeling of protein sequence and biophysical properties (such as structural, functional, and spatial information, amino acid conservation, physicochemical variation, residue mobility, and thermodynamic stability) has been performed for this missense variant. However, the output from this modeling did not meet the statistical confidence thresholds required to predict the impact of this variant on F5 protein function. In summary, the available evidence is currently insufficient to determine the role of this variant in disease. Therefore, it has been classified as a Variant of Uncertain Significance.

NM_000130.5(F5):c.4142A>G (p.Gln1381Arg)

Gene: F5 (coagulation factor V; minus strand). Cytogenetic location: 1q24.2.
Variant type: single nucleotide variant.
Coding change: c.4142A>G on transcript NM_000130.5 (MANE Select); coding-DNA position 4142, A replaced by G.
Protein change: p.Gln1381Arg; replaces glutamine 1381 with arginine.
Molecular consequence: missense variant.
Genome position (GRCh38, 1-based): chr1:169,540,948, T>C on the plus strand (A>G on the coding strand, the complement: F5 is on the minus strand). VCF-style: chr1-169540948-T-C. GRCh37 (hg19) VCF-style: chr1-169510186-T-C.
Other names: short protein forms Q1381R.
Identifiers: ClinVar variation 4748278 (VCV004748278.1).